The following is an entry in ClinVar:

NM_001042492.3(NF1):c.2935del (p.Ser979fs)

Gene: NF1 (neurofibromin 1; plus strand). Cytogenetic location: 17q11.2.
Variant type: Deletion.
Coding change: c.2935del on transcript NM_001042492.3 (MANE Select); coding-DNA position 2935, one base deleted (A; older notation c.2935delA).
Protein change: p.Ser979fs; shifts the reading frame from serine 979.
Molecular consequence: frameshift variant.
Genome position (GRCh38, 1-based): chr17:31,229,919, A deleted. VCF-style (leftmost placement, unchanged base first): chr17-31229918-CA-C. GRCh37 (hg19) VCF-style: chr17-29556936-CA-C.
Other names: c.2935delA, p.Ser979Alafs (NM_000267.4); short protein forms S979fs.
Identifiers: ClinVar variation 1070604 (VCV001070604.5), dbSNP rs2151430702, ClinGen allele CA2499224074.

ClinVar aggregate classification (germline): Pathogenic (1 of 4 stars; one submission).

Conditions:
Neurofibromatosis, type 1 (NF1). Also called: VON RECKLINGHAUSEN DISEASE; Peripheral type neurofibromatosis; NEUROFIBROMATOSIS, TYPE I, SOMATIC; Neurofibromatosis, type I. Identifiers: Orphanet 636, MedGen C0027831, MONDO:0018975, OMIM 162200. Disease mechanism: loss of function.

Submission:

Labcorp Genetics (formerly Invitae), Labcorp
Classification: Pathogenic for Neurofibromatosis, type 1. Last evaluated: 2020-10-20. Review status: criteria provided, single submitter. Criteria: Invitae Variant Classification Sherloc (09022015). Collection method: clinical testing. Allele origin: germline.
Comment: For these reasons, this variant has been classified as Pathogenic. This variant has not been reported in the literature in individuals with NF1-related conditions. This variant is not present in population databases (ExAC no frequency). This sequence change creates a premature translational stop signal (p.Ser979Alafs*5) in the NF1 gene. It is expected to result in an absent or disrupted protein product. Loss-of-function variants in NF1 are known to be pathogenic (PMID: 10712197, 23913538).

Literature cited by the submitters: PubMed 10712197; PubMed 23913538.